The following is an entry in ClinVar:

ClinVar aggregate classification (germline): Benign/Likely benign. Review status: criteria provided, multiple submitters, no conflicts (2 of 4 stars). 3 submissions from 3 submitters: Benign (1); Likely benign (1). 1 of the submissions does not count toward it. Last evaluated 2026-01-28.

Conditions:
MPDZ-related disorder. Also called: MPDZ-related condition.

Allele frequency attached by ClinVar (database versions not stated): gnomAD exomes 0.00044 and 0.00101; ExAC 0.00202; ESP Exome Variant Server 0.00469; gnomAD 0.00487 and 0.00514; 1000 Genomes Project 0.00499; TOPMed 0.00499; 1000 Genomes Project 30x 0.00500.
gnomAD v4.1: 1,409 of 1,602,586 alleles (0.088%); highest among the groups gnomAD compares: African/African-American, 1.6%; 11 homozygotes.

Submissions (4):

Labcorp Genetics (formerly Invitae), Labcorp
Classification: Benign. Last evaluated: 2026-01-28. Review status: criteria provided, single submitter. Criteria: Invitae Variant Classification Sherloc (09022015). Collection method: clinical testing. Allele origin: germline.

Blueprint Genetics
Classification: Likely benign. Last evaluated: 2024-11-25. Review status: criteria provided, single submitter. Criteria: ACMG Guidelines, 2015. Collection method: clinical testing. Allele origin: germline.

PreventionGenetics, part of Exact Sciences
Classification: Benign for MPDZ-related condition. Last evaluated: 2019-09-06. Review status: no assertion criteria provided. Collection method: clinical testing. Allele origin: germline. Not counted in ClinVar's aggregate classification.
Comment: This variant is classified as benign based on ACMG/AMP sequence variant interpretation guidelines (Richards et al. 2015 PMID: 25741868, with internal and published modifications).

Dr. Peter K. Rogan Lab, Western University
No classification provided (evidence only). Condition: Uterine corpus endometrial carcinoma. Review status: no classification provided. Collection method: in vitro. Allele origin: not applicable. Functional consequence: retained intron. Not counted in ClinVar's aggregate classification.

NM_001378778.1(MPDZ):c.1164A>T (p.Gly388=)

Gene: MPDZ (multiple PDZ domain crumbs cell polarity complex component; minus strand). Cytogenetic location: 9p23.
Variant type: single nucleotide variant.
Coding change: c.1164A>T on transcript NM_001378778.1 (MANE Select); coding-DNA position 1164, A replaced by T.
Protein change: p.Gly388=; no amino-acid change (glycine 388 retained).
Molecular consequence: synonymous variant.
Genome position (GRCh38, 1-based): chr9:13,217,217, T>A on the plus strand (A>T on the coding strand, the complement: MPDZ is on the minus strand). VCF-style: chr9-13217217-T-A. GRCh37 (hg19) VCF-style: chr9-13217216-T-A.
Other names: c.1164A>T, p.Gly388= (NM_001261406.2, NM_001261407.2, NM_001330637.2 and 14 more transcripts).
Identifiers: ClinVar variation 709817 (VCV000709817.15), dbSNP rs150409117, ClinGen allele CA4987879.
Genomic context (GRCh38, chr9:13,217,217, plus strand): 5'-GAATACTTAATGTTTAAAATTACCCAATTTTTTATCTCCAATGTAGCCAGCAATGGTAAT[T>A]CCTAATCCTTGGACATTTTTAGTGAGTTCTACATCAAATGTCTCACTTTCTTCACCTTTC-3'
Protein context (NP_001365707.1, residues 378-398): VELTKNVQGL[Gly388=]ITIAGYIGDK